The following is an entry in ClinVar:

ClinVar aggregate classification (germline): Likely benign (1 of 4 stars; one submission).

Conditions:
ADCY3-related disorder. Also called: ADCY3-related condition.

gnomAD v4.1: 1 of 1,614,066 alleles (0.000062%); no homozygotes.

Submission:

PreventionGenetics, part of Exact Sciences
Classification: Likely benign for ADCY3-related condition. Last evaluated: 2024-12-17. Review status: criteria provided, single submitter. Criteria: ACMG Guidelines, 2015. Collection method: clinical testing. Allele origin: germline.
Comment: This variant is classified as likely benign based on ACMG/AMP sequence variant interpretation guidelines (Richards et al. 2015 PMID: 25741868, with internal and published modifications).

NM_004036.5(ADCY3):c.2898C>T (p.Pro966=)

Gene: ADCY3 (adenylate cyclase 3; minus strand). Cytogenetic location: 2p23.3.
Variant type: single nucleotide variant.
Coding change: c.2898C>T on transcript NM_004036.5 (MANE Select); coding-DNA position 2898, C replaced by T.
Protein change: p.Pro966=; no amino-acid change (proline 966 retained).
Molecular consequence: synonymous variant.
Genome position (GRCh38, 1-based): chr2:24,822,616, G>A on the plus strand (C>T on the coding strand, the complement: ADCY3 is on the minus strand). VCF-style: chr2-24822616-G-A. GRCh37 (hg19) VCF-style: chr2-25045485-G-A.
Other names: c.2901C>T, p.Pro967= (NM_001320613.2); c.2964C>T, p.Pro988= (NM_001377128.1); c.2760C>T, p.Pro920= (NM_001377129.1); c.2346C>T, p.Pro782= (NM_001377130.1); c.2175C>T, p.Pro725= (NM_001377131.1); c.2898C>T, p.Pro966= (NM_001377132.1).
Identifiers: ClinVar variation 4997293 (VCV004997293.1).
Genomic context (GRCh38, chr2:24,822,616, plus strand): 5'-TCCTGAAGCCGCCATATACGTGCTGCCAATGGTTTTGATCTTGGTGATCACCCGGAACTT[G>A]GGATTGTCCAGGAGCTGAGGCCAGGATTCAGGAAAGAATTGTCAGCAGTCAAGGGAGAGG-3'
Protein context (NP_004027.2, residues 956-976): ISDFDSLLDN[Pro966=]KFRVITKIKT